The following is an entry in ClinVar:

NM_006231.4(POLE):c.1975C>G (p.Pro659Ala)

Gene: POLE (DNA polymerase epsilon, catalytic subunit; minus strand). Cytogenetic location: 12q24.33.
Variant type: single nucleotide variant.
Coding change: c.1975C>G on transcript NM_006231.4 (MANE Select); coding-DNA position 1975, C replaced by G.
Protein change: p.Pro659Ala; replaces proline 659 with alanine.
Molecular consequence: missense variant.
Genome position (GRCh38, 1-based): chr12:132,668,686, G>C on the plus strand (C>G on the coding strand, the complement: POLE is on the minus strand). VCF-style: chr12-132668686-G-C. GRCh37 (hg19) VCF-style: chr12-133245272-G-C.
Other names: short protein forms P659A.
Identifiers: ClinVar variation 3935773 (VCV003935773.1).

ClinVar aggregate classification (germline): Uncertain significance (1 of 4 stars; one submission).

Conditions:
Hereditary cancer-predisposing syndrome. Also called: Tumor predisposition; Hereditary neoplastic syndrome; Hereditary Cancer Syndrome; Neoplastic Syndromes, Hereditary. Identifiers: Orphanet 140162, MedGen C0027672, MeSH D009386, MONDO:0015356.

Submission:

Ambry Genetics
Classification: Uncertain significance for Hereditary cancer-predisposing syndrome. Last evaluated: 2025-05-21. Review status: criteria provided, single submitter. Criteria: Ambry Variant Classification Scheme 2023. Collection method: clinical testing. Allele origin: germline.
Comment: The p.P659A variant (also known as c.1975C>G), located in coding exon 18 of the POLE gene, results from a C to G substitution at nucleotide position 1975. The proline at codon 659 is replaced by alanine, an amino acid with highly similar properties. This amino acid position is conserved. In addition, the in silico prediction for this alteration is inconclusive. Based on the available evidence, the clinical significance of this variant remains unclear.